The following is an entry in ClinVar:

ClinVar aggregate classification (germline): Uncertain significance (1 of 4 stars; one submission).

Conditions:
Neuronal ceroid lipofuscinosis. Also called: Neuronal Ceroid Lipofuscinoses. Identifiers: Orphanet 216, Orphanet 79263, MedGen C0027877, MONDO:0016295. Disease mechanism: loss of function.

Submission:

Labcorp Genetics (formerly Invitae), Labcorp
Classification: Uncertain significance for Neuronal ceroid lipofuscinosis. Last evaluated: 2022-08-10. Review status: criteria provided, single submitter. Criteria: Invitae Variant Classification Sherloc (09022015). Collection method: clinical testing. Allele origin: germline.
Comment: A copy number gain of the genomic region encompassing the full coding sequence of the CTSD gene has been identified. The boundaries of this event are unknown as they extend beyond the assayed region for this gene and therefore may encompass additional genes. As the precise location of this event is unknown, it may be in tandem or it may be located elsewhere in the genome. This variant has not been reported in the literature in individuals affected with CTSD-related conditions. In summary, the available evidence is currently insufficient to determine the role of this variant in disease. Therefore, it has been classified as a Variant of Uncertain Significance.

NC_000011.9:g.(?_1774733)_(2019125_?)dup

Genes: MRPL23 (mitochondrial ribosomal protein L23; plus strand), H19 (H19 imprinted maternally expressed transcript; minus strand), CTSD (cathepsin D; minus strand), SYT8 (synaptotagmin 8; plus strand), LSP1 (lymphocyte specific protein 1; plus strand) and 2 more. Cytogenetic location: 11p15.5.
Variant type: Duplication.
Identifiers: ClinVar variation 2424318 (VCV002424318.4).